The following is an entry in ClinVar:

ClinVar aggregate classification (germline): Uncertain significance (1 of 4 stars; one submission).

Allele frequency attached by ClinVar (database versions not stated): gnomAD 0.00001; gnomAD exomes 0.00001; ExAC 0.00002.
gnomAD v4.1: 5 of 1,613,786 alleles (0.00031%); highest among the groups gnomAD compares: East Asian, 0.0045%; no homozygotes.

Submission:

Labcorp Genetics (formerly Invitae), Labcorp
Classification: Uncertain significance. Last evaluated: 2024-04-29. Review status: criteria provided, single submitter. Criteria: Invitae Variant Classification Sherloc (09022015). Collection method: clinical testing. Allele origin: germline.
Comment: This sequence change replaces leucine, which is neutral and non-polar, with tryptophan, which is neutral and slightly polar, at codon 884 of the ATR protein (p.Leu884Trp). This variant is present in population databases (rs754064500, gnomAD 0.005%). This variant has not been reported in the literature in individuals affected with ATR-related conditions. ClinVar contains an entry for this variant (Variation ID: 2157050). An algorithm developed to predict the effect of missense changes on protein structure and function (PolyPhen-2) suggests that this variant is likely to be disruptive. In summary, the available evidence is currently insufficient to determine the role of this variant in disease. Therefore, it has been classified as a Variant of Uncertain Significance.

NM_001184.4(ATR):c.2651T>G (p.Leu884Trp)

Gene: ATR (ATR checkpoint kinase; minus strand). Cytogenetic location: 3q23.
Variant type: single nucleotide variant.
Coding change: c.2651T>G on transcript NM_001184.4 (MANE Select); coding-DNA position 2651, T replaced by G.
Protein change: p.Leu884Trp; replaces leucine 884 with tryptophan.
Molecular consequence: missense variant.
Genome position (GRCh38, 1-based): chr3:142,553,381, A>C on the plus strand (T>G on the coding strand, the complement: ATR is on the minus strand). VCF-style: chr3-142553381-A-C. GRCh37 (hg19) VCF-style: chr3-142272223-A-C.
Other names: c.2459T>G, p.Leu820Trp (NM_001354579.2); short protein forms L820W, L884W.
Identifiers: ClinVar variation 2157050 (VCV002157050.4), dbSNP rs754064500, ClinGen allele CA2650297.